The following is an entry in ClinVar:

NM_003476.5(CSRP3):c.351C>T (p.Ser117=)

Gene: CSRP3 (cysteine and glycine rich protein 3; minus strand). Cytogenetic location: 11p15.1.
Variant type: single nucleotide variant.
Coding change: c.351C>T on transcript NM_003476.5 (MANE Select); coding-DNA position 351, C replaced by T.
Protein change: p.Ser117=; no amino-acid change (serine 117 retained).
Molecular consequence: synonymous variant. On other transcripts: missense variant (1).
Genome position (GRCh38, 1-based): chr11:19,186,279, G>A on the plus strand (C>T on the coding strand, the complement: CSRP3 is on the minus strand). VCF-style: chr11-19186279-G-A. GRCh37 (hg19) VCF-style: chr11-19207826-G-A.
Other names: c.182C>T, p.Pro61Leu (NM_001369404.1); short protein forms P61L.
Identifiers: ClinVar variation 750716 (VCV000750716.17), dbSNP rs766621810, ClinGen allele CA5916566.
Genomic context (GRCh38, chr11:19,186,279, plus strand): 5'-GCCACCTCCCATAACCTTCTCAGCAGCATAGACTGACTTGCCACATCGAGGGCACTTCTC[G>A]GACTCTCCAAACTTCGCAGTGAATTTGGAAGGGTTGCTGGTGGTAACTGAGCGTGCCGGC-3'
Protein context (NP_003467.1, residues 107-127): PSKFTAKFGE[Ser117=]EKCPRCGKSV

ClinVar aggregate classification (germline): Likely benign. Review status: criteria provided, multiple submitters, no conflicts (2 of 4 stars). 5 submissions from 5 submitters: Likely benign (4). 1 of the submissions does not count toward it. Last evaluated 2026-01-31.

Conditions:
CSRP3-related disorder. Also called: CSRP3-related disorders; CSRP3-related condition.
Hypertrophic cardiomyopathy 12. Identifiers: MedGen C2677491, MONDO:0012804, OMIM 612124.
Dilated cardiomyopathy 1M (CMD1M). Identifiers: Orphanet 154, MedGen C1843808, MONDO:0011840, OMIM 607482.
Cardiomyopathy (CMYO). Also called: Cardiomyopathies. Identifiers: Orphanet 167848, MedGen C0878544, MONDO:0004994, HP:0001638. Inheritance: Various modes of inheritance.
Cardiovascular phenotype. Identifiers: MedGen CN230736.

Allele frequency attached by ClinVar (database versions not stated): ExAC 0.00001; gnomAD exomes 0.00001 and 0.00002; TOPMed 0.00003.
gnomAD v4.1: 24 of 1,614,152 alleles (0.0015%); highest among the groups gnomAD compares: East Asian, 0.0089%; no homozygotes.

Submissions (5):

Labcorp Genetics (formerly Invitae), Labcorp
Classification: Likely benign for Hypertrophic cardiomyopathy 12; Dilated cardiomyopathy 1M. Last evaluated: 2026-01-31. Review status: criteria provided, single submitter. Criteria: Invitae Variant Classification Sherloc (09022015). Collection method: clinical testing. Allele origin: germline.

Molecular Diagnostic Laboratory for Inherited Cardiovascular Disease, Montreal Heart Institute
Classification: Likely benign. Last evaluated: 2025-07-24. Review status: criteria provided, single submitter. Criteria: ACMG Guidelines, 2015. Collection method: clinical testing. Allele origin: germline. Affected: no.
Comment: PM2, BP5, BP6, BP7

Ambry Genetics
Classification: Likely benign for Cardiovascular phenotype. Last evaluated: 2022-04-23. Review status: criteria provided, single submitter. Criteria: Ambry Variant Classification Scheme 2023. Collection method: clinical testing. Allele origin: germline.

CHEO Genetics Diagnostic Laboratory, Children's Hospital of Eastern Ontario
Classification: Likely benign for Cardiomyopathy. Last evaluated: 2017-11-28. Review status: criteria provided, single submitter. Criteria: ACMG Guidelines, 2015. Collection method: clinical testing. Allele origin: germline.

PreventionGenetics, part of Exact Sciences
Classification: Likely benign for CSRP3-related condition. Last evaluated: 2020-08-24. Review status: no assertion criteria provided. Collection method: clinical testing. Allele origin: germline. Not counted in ClinVar's aggregate classification.
Comment: This variant is classified as likely benign based on ACMG/AMP sequence variant interpretation guidelines (Richards et al. 2015 PMID: 25741868, with internal and published modifications).